The following is an entry in ClinVar:

ClinVar aggregate classification (germline): Uncertain significance (1 of 4 stars; one submission).

Submission:

Women's Health and Genetics/Laboratory Corporation of America, LabCorp
Classification: Uncertain significance. Last evaluated: 2025-01-13. Review status: criteria provided, single submitter. Criteria: LabCorp Variant Classification Summary - May 2015. Collection method: clinical testing. Allele origin: germline.
Comment: Variant summary: HIVEP2 c.2148T>G (p.Ile716Met) results in a conservative amino acid change in the encoded protein sequence. Five of five in-silico tools predict a benign effect of the variant on protein function. The variant was absent in 249528 control chromosomes. The available data on variant occurrences in the general population are insufficient to allow any conclusion about variant significance. To our knowledge, no occurrence of c.2148T>G in individuals affected with Intellectual Disability, Autosomal Dominant 43 and no experimental evidence demonstrating its impact on protein function have been reported. No submitters have cited clinical-significance assessments for this variant to ClinVar. Based on the evidence outlined above, the variant was classified as uncertain significance.

NM_006734.4(HIVEP2):c.2148T>G (p.Ile716Met)

Gene: HIVEP2 (HIVEP zinc finger 2; minus strand). Cytogenetic location: 6q24.2.
Variant type: single nucleotide variant.
Coding change: c.2148T>G on transcript NM_006734.4 (MANE Select); coding-DNA position 2148, T replaced by G.
Protein change: p.Ile716Met; replaces isoleucine 716 with methionine.
Molecular consequence: missense variant.
Genome position (GRCh38, 1-based): chr6:142,772,591, A>C on the plus strand (T>G on the coding strand, the complement: HIVEP2 is on the minus strand). VCF-style: chr6-142772591-A-C. GRCh37 (hg19) VCF-style: chr6-143093728-A-C.
Other names: short protein forms I716M.
Identifiers: ClinVar variation 3769128 (VCV003769128.2).